The following is an entry in ClinVar:

NM_013275.6(ANKRD11):c.866dup (p.Tyr289Ter)

Gene: ANKRD11 (ankyrin repeat domain 11; minus strand). Cytogenetic location: 16q24.3.
Variant type: Duplication.
Coding change: c.866dup on transcript NM_013275.6 (MANE Select); coding-DNA position 866, one base duplicated (A; older notation c.866dupA).
Protein change: p.Tyr289Ter; replaces tyrosine 289 with a stop codon.
Molecular consequence: nonsense.
Genome position (GRCh38, 1-based): chr16:89,286,065, T duplicated on the plus strand (A on the coding strand, the reverse complement: ANKRD11 is on the minus strand). VCF-style (leftmost placement, unchanged base first): chr16-89286064-G-GT. GRCh37 (hg19) VCF-style: chr16-89352472-G-GT.
Other names: c.866dup, p.Tyr289Ter (NM_001256182.2, NM_001256183.2); c.866dup (NM_013275.5); short protein forms Y289*.
Identifiers: ClinVar variation 3775921 (VCV003775921.2).

ClinVar aggregate classification (germline): Likely pathogenic. Review status: criteria provided, multiple submitters, no conflicts (2 of 4 stars). 2 submissions from 2 submitters: Likely pathogenic (2). Last evaluated 2025-05-21.

Conditions:
KBG syndrome (KBGS). Also called: ANKRD11-Related KBG Syndrome. Identifiers: Orphanet 2332, MedGen C0220687, MONDO:0007846, OMIM 148050.

Submissions (2):

GeneDx
Classification: Likely pathogenic. Last evaluated: 2025-05-21. Review status: criteria provided, single submitter. Criteria: GeneDx Variant Classification Process June 2021. Collection method: clinical testing. Allele origin: germline. Affected: yes.
Comment: Nonsense variant predicted to result in protein truncation or nonsense mediated decay in a gene for which loss of function is a known mechanism of disease; Not observed at significant frequency in large population cohorts (gnomAD); This variant is associated with the following publications: (PMID: 36446582)

3billion
Classification: Likely pathogenic for KBG syndrome. Last evaluated: 2023-08-29. Review status: criteria provided, single submitter. Criteria: ACMG Guidelines, 2015. Collection method: clinical testing. Allele origin: germline. Affected: yes.
Comment: The variant is not observed in the gnomAD v2.1.1 dataset. Predicted Consequence/Location: Stop-gained (nonsense): predicted to result in a loss or disruption of normal protein function through nonsense-mediated decay (NMD) or protein truncation. Multiple pathogenic variants are reported downstream of the variant. Therefore, this variant is classified as Likely pathogenic according to the recommendation of ACMG/AMP guideline.